The following is an entry in ClinVar:

NM_000426.4(LAMA2):c.149C>T (p.Ala50Val)

Gene: LAMA2 (laminin subunit alpha 2; plus strand). Cytogenetic location: 6q22.33.
Variant type: single nucleotide variant.
Coding change: c.149C>T on transcript NM_000426.4 (MANE Select); coding-DNA position 149, C replaced by T.
Protein change: p.Ala50Val; replaces alanine 50 with valine.
Molecular consequence: missense variant.
Genome position (GRCh38, 1-based): chr6:129,049,954, C>T. VCF-style: chr6-129049954-C-T. GRCh37 (hg19) VCF-style: chr6-129371099-C-T.
Other names: c.149C>T, p.Ala50Val (NM_001079823.2); short protein forms A50V.
Identifiers: ClinVar variation 570290 (VCV000570290.14), dbSNP rs191899712, ClinGen allele CA3992234.
Genomic context (GRCh38, chr6:129,049,954, plus strand): 5'-CCTTCATTTGTCCATCTTTTTCAGGTTTATTCCCTGCTGTCCTGAATCTTGCTTCTAATG[C>T]TCTTATCACGACCAATGCAACATGTGGAGAAAAAGGACCTGAAATGTACTGCAAATTGGT-3'
Protein context (NP_000417.3, residues 40-60): FPAVLNLASN[Ala50Val]LITTNATCGE

ClinVar aggregate classification (germline): Conflicting classifications of pathogenicity. Review status: criteria provided, conflicting classifications (1 of 4 stars). 6 submissions from 6 submitters: Likely pathogenic (1); Uncertain significance (4); Likely benign (1). Last evaluated 2026-02-02.

Conditions:
LAMA2-related muscular dystrophy (LAMA2-RD). Also called: Laminin alpha 2-related dystrophy. Identifiers: MedGen C5679788, MONDO:0100228.
Merosin deficient congenital muscular dystrophy (MDC1A). Also called: Congenital Muscular Dystrophy Type 1A (MDC1A); Congenital merosin-deficient muscular dystrophy 1A. Identifiers: Orphanet 258, MedGen C1263858, MONDO:0011925, OMIM 607855.

Allele frequency attached by ClinVar (database versions not stated): gnomAD exomes 0.00002 and 0.00004; ExAC 0.00003; gnomAD 0.00004 and 0.00007; TOPMed 0.00004; 1000 Genomes Project 0.00060; 1000 Genomes Project 30x 0.00062.

Submissions (6):

Labcorp Genetics (formerly Invitae), Labcorp
Classification: Likely benign for LAMA2-related muscular dystrophy. Last evaluated: 2026-02-02. Review status: criteria provided, single submitter. Criteria: Invitae Variant Classification Sherloc (09022015). Collection method: clinical testing. Allele origin: germline.

Blueprint Genetics
Classification: Uncertain significance. Last evaluated: 2024-09-16. Review status: criteria provided, single submitter. Criteria: ACMG Guidelines, 2015. Collection method: clinical testing. Allele origin: germline.

Women's Health and Genetics/Laboratory Corporation of America, LabCorp
Classification: Uncertain significance. Last evaluated: 2024-04-17. Review status: criteria provided, single submitter. Criteria: LabCorp Variant Classification Summary - May 2015. Collection method: clinical testing. Allele origin: germline.
Comment: Variant summary: LAMA2 c.149C>T (p.Ala50Val) results in a non-conservative amino acid change located in the Laminin, N-terminal domain (IPR008211) of the encoded protein sequence. Five of five in-silico tools predict a damaging effect of the variant on protein function. The variant allele was found at a frequency of 4e-05 in 251486 control chromosomes. This frequency is not significantly higher than estimated for a pathogenic variant in LAMA2 causing Laminin Alpha 2-Related Dystrophy (4e-05 vs 0.0022), allowing no conclusion about variant significance. c.149C>T has been reported in the literature in at least one compound heterozygous individual affected with muscular dystrophy, limb-girdle (e.g. Barbosa-Gouveia_2022). These data do not allow sufficient evidence to provide any conclusion about variant significance. To our knowledge, no experimental evidence demonstrating an impact on protein function has been reported. The following publications have been ascertained in the context of this evaluation (PMID: 35628876, 29773157). ClinVar contains an entry for this variant (Variation ID: 570290). Based on the evidence outlined above, the variant was classified as uncertain significance.

Revvity Omics, Revvity
Classification: Uncertain significance. Last evaluated: 2019-08-08. Review status: criteria provided, single submitter. Criteria: ACMG Guidelines, 2015. Collection method: clinical testing. Allele origin: germline.

GeneDx
Classification: Uncertain significance. Last evaluated: 2019-04-15. Review status: criteria provided, single submitter. Criteria: GeneDx Variant Classification Process June 2021. Collection method: clinical testing. Allele origin: germline. Affected: yes.
Comment: In silico analysis, which includes protein predictors and evolutionary conservation, supports a deleterious effect; Has not been previously published as pathogenic or benign to our knowledge

NeuroMeGen, Hospital Clinico Santiago de Compostela
Classification: Likely pathogenic for Merosin deficient congenital muscular dystrophy. Last evaluated: 2018-10-08. Review status: criteria provided, single submitter. Criteria: ACMG Guidelines, 2015. Collection method: clinical testing. Allele origin: unknown. Affected: yes. Observed: 1 heterozygote.

Literature cited by the submitters: PubMed 29773157 (cited by Women's Health and Genetics/Laboratory Corporation of America, LabCorp); PubMed 35628876 (cited by Women's Health and Genetics/Laboratory Corporation of America, LabCorp).